The following is an entry in ClinVar:

NM_139276.3(STAT3):c.2049C>T (p.Phe683=)

Gene: STAT3 (signal transducer and activator of transcription 3; minus strand). Cytogenetic location: 17q21.2.
Variant type: single nucleotide variant.
Coding change: c.2049C>T on transcript NM_139276.3 (MANE Select); coding-DNA position 2049, C replaced by T.
Protein change: p.Phe683=; no amino-acid change (phenylalanine 683 retained).
Molecular consequence: synonymous variant.
Genome position (GRCh38, 1-based): chr17:42,322,334, G>A on the plus strand (C>T on the coding strand, the complement: STAT3 is on the minus strand). VCF-style: chr17-42322334-G-A. GRCh37 (hg19) VCF-style: chr17-40474352-G-A.
Other names: c.2049C>T, p.Phe683= (NM_001369512.1, NM_001369513.1, NM_001369514.1 and 9 more transcripts); c.1965C>T, p.Phe655= (NM_001384984.1); c.1971C>T, p.Phe657= (NM_001384985.1); c.2064C>T, p.Phe688= (NM_001384986.1, NM_001384990.1); c.2028C>T, p.Phe676= (NM_001384987.1); c.1953C>T, p.Phe651= (NM_001384989.1); c.2022C>T, p.Phe674= (NM_001384991.1); c.1989C>T, p.Phe663= (NM_001384992.1).
Identifiers: ClinVar variation 722798 (VCV000722798.13), dbSNP rs373256669, ClinGen allele CA8575175.
Genomic context (GRCh38, chr17:42,322,334, plus strand): 5'-TCAACAACTACCTGGGTCAGCTTCAGGATGCTCCTGGCTCTCTGGCCGACAATACTTTCC[G>A]AATGCCTCCTCCTTGGGAATGTCAGGATAGAGATAGACCAGTGGAGACACCAGGATATTG-3'
Protein context (NP_644805.1, residues 673-693): LYPDIPKEEA[Phe683=]GKYCRPESQE

ClinVar aggregate classification (germline): Conflicting classifications of pathogenicity. Review status: criteria provided, conflicting classifications (1 of 4 stars). 4 submissions from 4 submitters: Uncertain significance (1); Benign (1); Likely benign (2). Last evaluated 2025-07-06.

Conditions:
Hyper-IgE recurrent infection syndrome 1, autosomal dominant. Also called: JOB SYNDROME; Job's Syndrome; HYPER-IgE SYNDROME 1, AUTOSOMAL DOMINANT, WITH RECURRENT INFECTIONS; Hyper-IgE recurrent infection syndrome 1; STAT3 Hyper IgE Syndrome. Identifiers: Orphanet 2314, MedGen C2936739, MONDO:0007818, OMIM 147060.
STAT3 gain of function. Identifiers: MedGen C4288261.
STAT3-related early-onset multisystem autoimmune disease. Also called: Autoimmune disease, multisystem, infantile-onset, 1. Identifiers: Orphanet 438159, MedGen C4014795, MONDO:0014414, OMIM 615952.

Allele frequency attached by ClinVar (database versions not stated): ExAC 0.00007; ESP Exome Variant Server 0.00008; TOPMed 0.00014; gnomAD 0.00016 and 0.00017.
gnomAD v4.1: 87 of 1,614,096 alleles (0.0054%); highest among the groups gnomAD compares: African/African-American, 0.057%; no homozygotes.

Submissions (4):

Labcorp Genetics (formerly Invitae), Labcorp
Classification: Likely benign for STAT3 gain of function; Hyper-IgE recurrent infection syndrome 1, autosomal dominant. Last evaluated: 2025-07-06. Review status: criteria provided, single submitter. Criteria: Invitae Variant Classification Sherloc (09022015). Collection method: clinical testing. Allele origin: germline.

Women's Health and Genetics/Laboratory Corporation of America, LabCorp
Classification: Benign. Last evaluated: 2024-12-06. Review status: criteria provided, single submitter. Criteria: LabCorp Variant Classification Summary - May 2015. Collection method: clinical testing. Allele origin: germline.

Blueprint Genetics
Classification: Likely benign. Last evaluated: 2021-07-22. Review status: criteria provided, single submitter. Criteria: ACMG Guidelines, 2015. Collection method: clinical testing. Allele origin: germline.

Center for Genomics, Ann and Robert H. Lurie Children's Hospital of Chicago
Classification: Uncertain significance for Hyper-IgE recurrent infection syndrome 1, autosomal dominant; STAT3-related early-onset multisystem autoimmune disease. Review status: criteria provided, single submitter. Criteria: ACMG Guidelines, 2015. Collection method: clinical testing. Allele origin: germline.
Comment: STAT3 NM_139276 exon 21 p.Phe683Phe (c.2049C>T): This variant has not been reported in the literature but is present in 13/24036 African alleles in the Genome Aggregation Database. Evolutionary conservation and computational predictive tools for this variant are limited or unavailable. Of note, this variant is a silent variant and does not change the amino acid, reducing the probability that this variant is disease causing. In summary, data on this variant is insufficient for disease classification. Therefore, the clinical significance of this variant is uncertain.